The following is an entry in ClinVar:

ClinVar aggregate classification (germline): Uncertain significance. Review status: criteria provided, multiple submitters, no conflicts (2 of 4 stars). 2 submissions from 2 submitters: Uncertain significance (2). Last evaluated 2026-01-31.

Conditions:
Cardiovascular phenotype. Identifiers: MedGen CN230736.
RASopathy. Also called: rasopathies; Noonan spectrum disorder. Identifiers: Orphanet 536391, MedGen C5555857, MONDO:0021060.

Allele frequency attached by ClinVar (database versions not stated): gnomAD 0.00001; gnomAD exomes below 0.00001; TOPMed below 0.00001.
gnomAD v4.1: 4 of 1,589,208 alleles (0.00025%); highest among the groups gnomAD compares: African/African-American, 0.0014%; no homozygotes.

Submissions (2):

Labcorp Genetics (formerly Invitae), Labcorp
Classification: Uncertain significance for RASopathy. Last evaluated: 2026-01-31. Review status: criteria provided, single submitter. Criteria: Invitae Variant Classification Sherloc (09022015). Collection method: clinical testing. Allele origin: germline.
Comment: This sequence change replaces alanine, which is neutral and non-polar, with serine, which is neutral and polar, at codon 26 of the SOS1 protein (p.Ala26Ser). This variant is not present in population databases (gnomAD no frequency). This variant has not been reported in the literature in individuals affected with SOS1-related conditions. ClinVar contains an entry for this variant (Variation ID: 2725609). Invitae Evidence Modeling of protein sequence and biophysical properties (such as structural, functional, and spatial information, amino acid conservation, physicochemical variation, residue mobility, and thermodynamic stability) indicates that this missense variant is not expected to disrupt SOS1 protein function with a negative predictive value of 95%. In summary, the available evidence is currently insufficient to determine the role of this variant in disease. Therefore, it has been classified as a Variant of Uncertain Significance.

Ambry Genetics
Classification: Uncertain significance for Cardiovascular phenotype. Last evaluated: 2023-12-21. Review status: criteria provided, single submitter. Criteria: Ambry Variant Classification Scheme 2023. Collection method: clinical testing. Allele origin: germline.
Comment: The p.A26S variant (also known as c.76G>T), located in coding exon 1 of the SOS1 gene, results from a G to T substitution at nucleotide position 76. The alanine at codon 26 is replaced by serine, an amino acid with similar properties. This amino acid position is conserved. In addition, this alteration is predicted to be tolerated by in silico analysis. Since supporting evidence is limited at this time, the clinical significance of this alteration remains unclear.

NM_005633.4(SOS1):c.76G>T (p.Ala26Ser)

Genes: SOS1 (SOS Ras/Rac guanine nucleotide exchange factor 1; minus strand), LOC129933535 (ATAC-STARR-seq lymphoblastoid silent region 11384; plus strand). Cytogenetic location: 2p22.1.
Variant type: single nucleotide variant.
Coding change: c.76G>T on transcript NM_005633.4 (MANE Select); coding-DNA position 76, G replaced by T.
Protein change: p.Ala26Ser; replaces alanine 26 with serine.
Molecular consequence: missense variant. On other transcripts: intron variant (1).
Genome position (GRCh38, 1-based): chr2:39,120,347, C>A on the plus strand (G>T on the coding strand, the complement: SOS1 is on the minus strand). VCF-style: chr2-39120347-C-A. GRCh37 (hg19) VCF-style: chr2-39347488-C-A.
Other names: c.76G>T, p.Ala26Ser (NM_001382395.1); c.66+4317G>T (NM_001382394.1); short protein forms A26S.
Identifiers: ClinVar variation 2725609 (VCV002725609.4), dbSNP rs1303622703, ClinGen allele CA346374563.